The following is an entry in ClinVar:

NM_001356.5(DDX3X):c.1126C>T (p.Arg376Cys)

Gene: DDX3X (DEAD-box helicase 3 X-linked; plus strand). Cytogenetic location: Xp11.4.
Variant type: single nucleotide variant.
Coding change: c.1126C>T on transcript NM_001356.5 (MANE Select); coding-DNA position 1126, C replaced by T.
Protein change: p.Arg376Cys; replaces arginine 376 with cysteine.
Molecular consequence: missense variant. On other transcripts: non-coding transcript variant (1).
Genome position (GRCh38, 1-based): chrX:41,345,280, C>T. VCF-style: chrX-41345280-C-T. GRCh37 (hg19) VCF-style: chrX-41204533-C-T.
Other names: c.1126C>T, p.Arg376Cys (NM_001193416.3); c.1078C>T, p.Arg360Cys (NM_001193417.3); c.568C>T, p.Arg190Cys (NM_001363819.1); short protein forms R376C, R360C, R190C.
Identifiers: ClinVar variation 207813 (VCV000207813.58), dbSNP rs796052231, ClinGen allele CA204531.
Genomic context (GRCh38, chrX:41,345,280, plus strand): 5'-GGGTTTGAGCCTCAGATTCGTAGAATAGTCGAACAAGATACTATGCCTCCAAAGGGTGTC[C>T]GCCACACTATGATGTTTAGTGCTACTTTTCCTAAGGAAATACAGGTACTGTTTGATGTTG-3'
Protein context (NP_001347.3, residues 366-386): EQDTMPPKGV[Arg376Cys]HTMMFSATFP

ClinVar aggregate classification (germline): Pathogenic/Likely pathogenic. Review status: criteria provided, multiple submitters, no conflicts (2 of 4 stars). 15 submissions from 15 submitters: Pathogenic (7); Likely pathogenic (1). 7 of the submissions do not count toward it. Last evaluated 2025-09-02.
ClinVar aggregate classification (somatic clinical impact): Tier I - Strong (1 of 4 stars; one submission).

Conditions:
DDX3X-related disorder. Also called: DDX3X-related condition.
Intellectual disability, X-linked 102 (MRXSSB). Also called: Intellectual developmental disorder, X-linked syndromic, Snijders Blok type. Identifiers: Orphanet 457260, MedGen C5393299, MONDO:0010497, OMIM 300958.
Inborn genetic diseases. Identifiers: MedGen C0950123, MeSH D030342.
Isolated cerebellar hypoplasia/agenesis (CHEGDD). Also called: Cerebellar hypoplasia/atrophy, epilepsy, and global developmental delay. Identifiers: Orphanet 1398, Orphanet 2246, MedGen C5231391, MONDO:0008939, OMIM 213000.
Medulloblastoma WNT activated. Identifiers: MedGen C4331965, MONDO:0850196.

Submissions (16):

Ambry Genetics
Classification: Pathogenic for Inborn genetic diseases. Last evaluated: 2025-09-02. Review status: criteria provided, single submitter. Criteria: Ambry Variant Classification Scheme 2023. Collection method: clinical testing. Allele origin: germline.
Comment: The c.1126C>T (p.R376C) alteration is located in exon 11 (coding exon 11) of the DDX3X gene. This alteration results from a C to T substitution at nucleotide position 1126, causing the arginine (R) at amino acid position 376 to be replaced by a cysteine (C). This variant was not reported in population-based cohorts in the Genome Aggregation Database (gnomAD). This variant was reported as heterozygous in individual(s) with features consistent with DDX3X-related neurodevelopmental disorder; in at least one individual, it was determined to be de novo (Snijders Blok, 2015; Parra, 2024). Other variant(s) at the same codon, c.1127G>A (p.R376H) have been identified in the hemizygous state in individual(s) with features consistent with DDX3X-related neurodevelopmental disorder (Nicola, 2019). This amino acid position is highly conserved in available vertebrate species. This missense alteration is located in a region that has a low rate of benign missense variation (Lek, 2016; Firth, 2009). The in silico prediction for this alteration is inconclusive. Based on the available evidence, this alteration is classified as pathogenic.

Dasa
Classification: Pathogenic. Last evaluated: 2025-05-04. Review status: criteria provided, single submitter. Criteria: DASA Assertion Criteria. Collection method: clinical testing. Allele origin: germline.
Comment: NM_001356.5(DDX3X):c.1126C>T (p.Arg376Cys) is a missense variant that results in the substitution of arginine with cysteine. The affected residue or protein region has prior evidence supporting clinical relevance. De novo occurrence has been reported in an individual with related phenotype. Functional evidence supports a deleterious effect on the gene or gene product (PMID: 26235985; PMID: 38421120; PMID: 40164730). This variant has been recurrently observed in individuals with related phenotype (PMID: 26235985; PMID: 38421120; PMID: 40164730). Multiple computational predictions support a deleterious effect on the gene or gene product. The variant is present at low frequency in population datasets. Based on the available data, this variant is classified as pathogenic.

Institute for Genomic Medicine (IGM) Clinical Laboratory, Nationwide Children's Hospital
Classification: Tier I - Strong for Medulloblastoma WNT activated. Assertion type: diagnostic. Clinical significance: supports diagnosis. Last evaluated: 2025-04-11. Review status: criteria provided, single submitter. Criteria: AMP/ASCO/CAP Guidelines, 2017. Collection method: clinical testing. Allele origin: somatic. Affected: yes.
Comment: Variant has Tier I (strong) clinical significance as a diagnostic inclusion criterion in medulloblastoma WNT activated, based on the following evidence: 1) Documented in one or more cancer databases (e.g., St. Jude Pecan, COSMIC, CIViC, OncoKB). 2) Appears in one or more well-established professional guidelines (e.g., World Health Organization [WHO]; National Comprehensive Cancer Network [NCCN]) as providing diagnostic, prognostic, or therapeutic information. 3) Information in the literature supports potential biologic effect of variant (PMIDs: 22820256, 27180681, 33627125). 4) Diagnostic for a specific tumor type/classification based on well-powered studies with expert-level consensus (Evidence Level B; PMIDs: 22820256, 22832583, 22722829, 28726821, 31574483, 30765705).

Victorian Clinical Genetics Services, Murdoch Childrens Research Institute
Classification: Pathogenic for Intellectual disability, X-linked 102. Last evaluated: 2024-12-31. Review status: criteria provided, single submitter. Criteria: ACMG Guidelines, 2015. Collection method: clinical testing. Allele origin: germline. Affected: yes.
Comment: This variant is classified as Pathogenic. Evidence in support of pathogenic classification: Variant is absent from gnomAD (v2, v3 and v4); This variant has strong previous evidence of pathogenicity in unrelated individuals. This variant has been classified as likely pathogenic/pathogenic by diagnostic laboratories in ClinVar, and reported in individuals with intellectual disability and/or developmental delay (PMID: 26235985, DECIPHER); Missense variant predicted to be damaging by in silico tool(s) or highly conserved with a major amino acid change; Additional information: Variant is predicted to result in a missense amino acid change from arginine to cysteine; This variant is heterozygous; This gene is associated with X-linked dominant disease. Females may or may not be symptomatic (OMIM); Variant is located in the annotated DEAD/DEAH box helicase domain (DECIPHER); Loss of function is a known mechanism of disease in this gene and is associated with Snijders Blok-type X-linked syndromic intellectual developmental disorder (MIM#300958).

Labcorp Genetics (formerly Invitae), Labcorp
Classification: Pathogenic. Last evaluated: 2023-02-22. Review status: criteria provided, single submitter. Criteria: Invitae Variant Classification Sherloc (09022015). Collection method: clinical testing. Allele origin: germline.
Comment: For these reasons, this variant has been classified as Pathogenic. Experimental studies have shown that this missense change affects DDX3X function (PMID: 26235985). Algorithms developed to predict the effect of variants on protein structure and function are not available or were not evaluated for this variant. ClinVar contains an entry for this variant (Variation ID: 207813). This missense change has been observed in individual(s) with DDX3X-related conditions (PMID: 26235985, 28135719). In at least one individual the variant was observed to be de novo. This variant is not present in population databases (gnomAD no frequency). This sequence change replaces arginine, which is basic and polar, with cysteine, which is neutral and slightly polar, at codon 376 of the DDX3X protein (p.Arg376Cys).

Laboratorio de Genetica e Diagnostico Molecular, Hospital Israelita Albert Einstein
Classification: Likely pathogenic for Intellectual disability, X-linked 102. Last evaluated: 2021-08-23. Review status: criteria provided, single submitter. Criteria: ACMG Guidelines, 2015. Collection method: clinical testing. Allele origin: germline. Affected: yes.
Comment: ACMG classification criteria: PS3 supporting, PS4 moderate, PM2 moderate, PM6 strong

CeGaT Center for Human Genetics Tuebingen
Classification: Pathogenic. Last evaluated: 2020-11-01. Review status: criteria provided, single submitter. Criteria: CeGaT Center For Human Genetics Tuebingen Variant Classification Criteria Version 2. Collection method: clinical testing. Allele origin: germline. Affected: yes. Observed: 1 variant allele.

Blueprint Genetics
Classification: Pathogenic for DDX3X-related disorders. Last evaluated: 2020-04-27. Review status: criteria provided, single submitter. Criteria: ACMG Guidelines, 2015. Collection method: clinical testing. Allele origin: germline. Affected: yes. Observed: 1 variant allele.

Neuberg Centre For Genomic Medicine, NCGM
Classification: Pathogenic for Intellectual disability, X-linked 102. Review status: criteria provided, single submitter. Criteria: ACMG Guidelines, 2015. Collection method: clinical testing. Allele origin: germline. Inheritance: X-linked inheritance. Affected: yes.
Comment: The DDX3X c.1126C>T (p.Arg376Cys) variant has been reported in heterozygous state in multiple individuals affected with Mental Retardation, X-Linked 102 (Snijders Blok et al). The p.Arg376Cys variant is novel (not in any individuals) in gnomAD Exomes and 1000 Genomes. It has been submitted to ClinVar with varying interpretation as Pathogenic and Likely pathogenic. The variant is predicted to be damaging by both SIFT and PolyPhen2. The residue is conserved across species. The amino acid Arg at position 376 is changed to a Cys changing protein sequence and it might alter its composition and physico-chemical properties. For these reasons, this variant has been classified as Pathogenic.

Dobyns Lab, Seattle Children's Research Institute
Classification: Pathogenic for Mental retardation, X-linked 102. Last evaluated: 2019-02-18. Review status: no assertion criteria provided. Collection method: research. Allele origin: germline. Affected: yes. Observed: 2 variant alleles. Not counted in ClinVar's aggregate classification.

OMIM
Classification: Pathogenic for INTELLECTUAL DEVELOPMENTAL DISORDER, X-LINKED, SYNDROMIC, SNIJDERS BLOK TYPE. Last evaluated: 2015-08-06. Review status: no assertion criteria provided. Collection method: literature only. Allele origin: germline. Not counted in ClinVar's aggregate classification.

Diagnostic Laboratory, Department of Genetics, University Medical Center Groningen
Classification: Likely pathogenic. Review status: no assertion criteria provided. Collection method: clinical testing. Allele origin: germline. Affected: yes. Study: VKGL Data-share Consensus. Not counted in ClinVar's aggregate classification.

GeneReviews
No classification provided. Condition: Intellectual disability, X-linked 102. Review status: no classification provided. Collection method: literature only. Allele origin: germline. Not counted in ClinVar's aggregate classification.
Comment: Recurrent variant, observed de novo in 3 female probands [Snijders Blok et al 2015]

Genome Diagnostics Laboratory, Amsterdam University Medical Center
Classification: Pathogenic. Review status: no assertion criteria provided. Collection method: clinical testing. Allele origin: germline. Affected: yes. Study: VKGL Data-share Consensus. Not counted in ClinVar's aggregate classification.

Laboratory of Diagnostic Genome Analysis, Leiden University Medical Center (LUMC)
Classification: Pathogenic. Review status: no assertion criteria provided. Collection method: clinical testing. Allele origin: germline. Affected: yes. Study: VKGL Data-share Consensus. Not counted in ClinVar's aggregate classification.

University of Washington Center for Mendelian Genomics, University of Washington
Classification: Likely pathogenic for Cerebellar hypoplasia. Review status: no assertion criteria provided. Collection method: research. Allele origin: de novo. Affected: yes. Not counted in ClinVar's aggregate classification.

Literature cited by the submitters: PubMed 26235985 (cited by 6 submitters); PubMed 30734472 (cited by Ambry Genetics); PubMed 37904618 (cited by Ambry Genetics); PubMed 38421120 (cited by Dasa); PubMed 40164730 (cited by Dasa); PubMed 22820256 (cited by Institute for Genomic Medicine (IGM) Clinical Laboratory, Nationwide Children's Hospital); PubMed 27180681 (cited by Institute for Genomic Medicine (IGM) Clinical Laboratory, Nationwide Children's Hospital); PubMed 33627125 (cited by Institute for Genomic Medicine (IGM) Clinical Laboratory, Nationwide Children's Hospital); PubMed 22832583 (cited by Institute for Genomic Medicine (IGM) Clinical Laboratory, Nationwide Children's Hospital); PubMed 22722829 (cited by Institute for Genomic Medicine (IGM) Clinical Laboratory, Nationwide Children's Hospital); PubMed 28726821 (cited by Institute for Genomic Medicine (IGM) Clinical Laboratory, Nationwide Children's Hospital); PubMed 31574483 (cited by Institute for Genomic Medicine (IGM) Clinical Laboratory, Nationwide Children's Hospital); PubMed 30765705 (cited by Institute for Genomic Medicine (IGM) Clinical Laboratory, Nationwide Children's Hospital); PubMed 28135719 (cited by Labcorp Genetics (formerly Invitae), Labcorp); NCBI Bookshelf NBK561282 (cited by GeneReviews); PubMed 31474318 (cited by University of Washington Center for Mendelian Genomics, University of Washington).